The following is an entry in ClinVar:

ClinVar aggregate classification (germline): Likely pathogenic (1 of 4 stars; one submission).

Conditions:
Intellectual developmental disorder, autosomal recessive 65. Also called: Intellectual disability, autosomal recessive 65; MENTAL RETARDATION, AUTOSOMAL RECESSIVE 65. Identifiers: MedGen C4748219, MONDO:0020850, OMIM 618109.

Submission:

Neuberg Centre For Genomic Medicine, NCGM
Classification: Likely pathogenic for Intellectual developmental disorder, autosomal recessive 65. Review status: criteria provided, single submitter. Criteria: ACMG Guidelines, 2015. Collection method: clinical testing. Allele origin: germline. Inheritance: Autosomal recessive inheritance. Affected: yes.
Comment: The invariant splice donor c.1701+1G>T in KDM5B gene has not been reported previously as a pathogenic variant nor as a benign variant, to our knowledge. The c.1701+1G>T variant is absent in gnomAD Exomes. This variant has not been submitted to the ClinVar database. SpliceAI predicts this variant to cause splice donor loss score-0.98. Loss of function variants have been previously reported to be disease causing. Functional studies are required to prove the pathogenicity for the variant, for these reasons, this variant has been classified as Likely Pathogenic. In the absence of another reportable variant in KDM5B gene, the molecular diagnosis is not confirmed.

NM_006618.5(KDM5B):c.1701+1G>T

Gene: KDM5B (lysine demethylase 5B; minus strand). Cytogenetic location: 1q32.1.
Variant type: single nucleotide variant.
Coding change: c.1701+1G>T on transcript NM_006618.5 (MANE Select); the canonical splice donor site of the intron after coding-DNA position 1701, G replaced by T.
Molecular consequence: splice donor variant.
Genome position (GRCh38, 1-based): chr1:202,752,904, C>A on the plus strand (G>T on the coding strand, the complement: KDM5B is on the minus strand). VCF-style: chr1-202752904-C-A. GRCh37 (hg19) VCF-style: chr1-202722032-C-A.
Other names: c.1686+1G>T (NM_001399817.1); c.1566+1G>T (NM_001347591.2); c.1809+1G>T (NM_001314042.2).
Identifiers: ClinVar variation 3393440 (VCV003393440.1).